The following is an entry in ClinVar:

NM_001451.3(FOXF1):c.268C>T (p.Gln90Ter)

Gene: FOXF1 (forkhead box F1; plus strand). Cytogenetic location: 16q24.1.
Variant type: single nucleotide variant.
Coding change: c.268C>T on transcript NM_001451.3 (MANE Select); coding-DNA position 268, C replaced by T.
Protein change: p.Gln90Ter; replaces glutamine 90 with a stop codon.
Molecular consequence: nonsense.
Genome position (GRCh38, 1-based): chr16:86,510,837, C>T. VCF-style: chr16-86510837-C-T. GRCh37 (hg19) VCF-style: chr16-86544443-C-T.
Other names: short protein forms Q90*.
Identifiers: ClinVar variation 2662961 (VCV002662961.3), dbSNP rs2507450502, ClinGen allele CA397005768.

ClinVar aggregate classification (germline): Pathogenic. Review status: criteria provided, multiple submitters, no conflicts (2 of 4 stars). 3 submissions from 3 submitters: Pathogenic (3). Last evaluated 2023-12-27.

Conditions:
Alveolar capillary dysplasia with pulmonary venous misalignment. Also called: Alveolar capillary dysplasia with misalignment of pulmonary veins; ALVEOLAR CAPILLARY DYSPLASIA WITH MISALIGNMENT OF PULMONARY VEINS AND OTHER CONGENITAL ANOMALIES; Congenital alveolar capillary dysplasia. Identifiers: Orphanet 210122, MedGen C2960310, MONDO:0009934, OMIM 265380.

Submissions (3):

Rady Children's Institute for Genomic Medicine, Rady Children's Hospital San Diego
Classification: Pathogenic for ALVEOLAR CAPILLARY DYSPLASIA WITH MISALIGNMENT OF PULMONARY VEINS. Last evaluated: 2023-12-27. Review status: criteria provided, single submitter. Criteria: ACMG Guidelines, 2015. Collection method: clinical testing. Allele origin: germline. Affected: yes.
Comment: This nonsense variant found in exon 1 of 2 is predicted to result in loss of normal protein function through either protein truncation or nonsense-mediated mRNA decay. Loss-of-function variation in FOXF1 is an established mechanism of disease (PMID: 23505205). This variant has been previously reported in at least one patient with alveolar capillary dysplasia (PMID: 38029923). The c.268C>T (p.Gln90Ter) variant is absent from the gnomAD population database and thus is presumed to be rare. Analysis of the parental samples was negative for the variant, indicating this variant likely occurred as a de novo event. Based on the available evidence, c.268C>T (p.Gln90Ter) is classified as Pathogenic.

GeneDx
Classification: Pathogenic. Last evaluated: 2023-11-13. Review status: criteria provided, single submitter. Criteria: GeneDx Variant Classification Process June 2021. Collection method: clinical testing. Allele origin: germline. Affected: yes.
Comment: Nonsense variant predicted to result in protein truncation or nonsense mediated decay in a gene for which loss-of-function is a known mechanism of disease; Not observed at significant frequency in large population cohorts (gnomAD); Has not been previously published as pathogenic or benign to our knowledge

Department of Human Genetics, Hannover Medical School
Classification: Pathogenic for Alveolar capillary dysplasia with pulmonary venous misalignment. Last evaluated: 2022-05-02. Review status: criteria provided, single submitter. Criteria: ACMG Guidelines, 2015. Collection method: clinical testing. Allele origin: de novo. Inheritance: Autosomal dominant inheritance. Affected: yes.